The following is an entry in ClinVar:

ClinVar aggregate classification (germline): Uncertain significance. Review status: criteria provided, multiple submitters, no conflicts (2 of 4 stars). 2 submissions from 2 submitters: Uncertain significance (2). Last evaluated 2025-12-15.

Conditions:
Charcot-Marie-Tooth disease type 4. Also called: Charcot-Marie-Tooth, Type 4; Charcot-Marie-Tooth disease, type IV. Identifiers: Orphanet 64749, MedGen C4082197, MONDO:0018995.
Inborn genetic diseases. Identifiers: MedGen C0950123, MeSH D030342.

Submissions (2):

Labcorp Genetics (formerly Invitae), Labcorp
Classification: Uncertain significance for Charcot-Marie-Tooth disease type 4. Last evaluated: 2025-12-15. Review status: criteria provided, single submitter. Criteria: Invitae Variant Classification Sherloc (09022015). Collection method: clinical testing. Allele origin: germline.
Comment: This sequence change replaces valine, which is neutral and non-polar, with methionine, which is neutral and non-polar, at codon 1212 of the SH3TC2 protein (p.Val1212Met). This variant is not present in population databases (gnomAD no frequency). This variant has not been reported in the literature in individuals affected with SH3TC2-related conditions. ClinVar contains an entry for this variant (Variation ID: 1038579). Invitae Evidence Modeling of protein sequence and biophysical properties (such as structural, functional, and spatial information, amino acid conservation, physicochemical variation, residue mobility, and thermodynamic stability) indicates that this missense variant is not expected to disrupt SH3TC2 protein function with a negative predictive value of 95%. In summary, the available evidence is currently insufficient to determine the role of this variant in disease. Therefore, it has been classified as a Variant of Uncertain Significance.

Ambry Genetics
Classification: Uncertain significance for Inborn genetic diseases. Last evaluated: 2020-01-08. Review status: criteria provided, single submitter. Criteria: Ambry Variant Classification Scheme 2023. Collection method: clinical testing. Allele origin: germline.
Comment: The p.V1212M variant (also known as c.3634G>A), located in coding exon 16 of the SH3TC2 gene, results from a G to A substitution at nucleotide position 3634. The valine at codon 1212 is replaced by methionine, an amino acid with highly similar properties. This amino acid position is well conserved in available vertebrate species. In addition, the in silico prediction for this alteration is inconclusive. Since supporting evidence is limited at this time, the clinical significance of this alteration remains unclear.

NM_024577.4(SH3TC2):c.3634G>A (p.Val1212Met)

Gene: SH3TC2 (SH3 domain and tetratricopeptide repeats 2; minus strand). Cytogenetic location: 5q32.
Variant type: single nucleotide variant.
Coding change: c.3634G>A on transcript NM_024577.4 (MANE Select); coding-DNA position 3634, G replaced by A.
Protein change: p.Val1212Met; replaces valine 1212 with methionine.
Molecular consequence: missense variant.
Genome position (GRCh38, 1-based): chr5:149,006,922, C>T on the plus strand (G>A on the coding strand, the complement: SH3TC2 is on the minus strand). VCF-style: chr5-149006922-C-T. GRCh37 (hg19) VCF-style: chr5-148386485-C-T.
Other names: short protein forms V1212M.
Identifiers: ClinVar variation 1038579 (VCV001038579.10), dbSNP rs756174696, ClinGen allele CA361663965.